The following is an entry in ClinVar:

NM_002528.7(NTHL1):c.232G>A (p.Val78Ile)

Gene: NTHL1 (nth like DNA glycosylase 1; minus strand). Cytogenetic location: 16p13.3.
Variant type: single nucleotide variant.
Coding change: c.232G>A on transcript NM_002528.7 (MANE Select); coding-DNA position 232, G replaced by A.
Protein change: p.Val78Ile; replaces valine 78 with isoleucine.
Molecular consequence: missense variant. On other transcripts: intron variant (1).
Genome position (GRCh38, 1-based): chr16:2,046,250, C>T on the plus strand (G>A on the coding strand, the complement: NTHL1 is on the minus strand). VCF-style: chr16-2046250-C-T. GRCh37 (hg19) VCF-style: chr16-2096251-C-T.
Other names: c.256G>A (NM_002528.5); c.232G>A, p.Val78Ile (NM_001318193.2); c.24+30G>A (NM_001318194.2); short protein forms V78I.
Identifiers: ClinVar variation 861682 (VCV000861682.11), dbSNP rs1319706073, ClinGen allele CA394297329.

ClinVar aggregate classification (germline): Uncertain significance. Review status: criteria provided, multiple submitters, no conflicts (2 of 4 stars). 3 submissions from 3 submitters: Uncertain significance (3). Last evaluated 2025-12-11.

Conditions:
Hereditary cancer-predisposing syndrome. Also called: Tumor predisposition; Hereditary neoplastic syndrome; Neoplastic Syndromes, Hereditary; Hereditary Cancer Syndrome. Identifiers: Orphanet 140162, MedGen C0027672, MeSH D009386, MONDO:0015356.

gnomAD v4.1: 1 of 1,613,170 alleles (0.000062%); highest among the groups gnomAD compares: Non-Finnish European, 0.000085%; no homozygotes.

Submissions (3):

Ambry Genetics
Classification: Uncertain significance for Hereditary cancer-predisposing syndrome. Last evaluated: 2025-12-11. Review status: criteria provided, single submitter. Criteria: Ambry Variant Classification Scheme 2023. Collection method: clinical testing. Allele origin: germline.
Comment: The p.V86I variant (also known as c.256G>A), located in coding exon 2 of the NTHL1 gene, results from a G to A substitution at nucleotide position 256. The valine at codon 86 is replaced by isoleucine, an amino acid with highly similar properties. This amino acid position is conserved. In addition, this alteration is predicted to be tolerated by in silico analysis. Since supporting evidence is limited at this time, the clinical significance of this alteration remains unclear.

GeneDx
Classification: Uncertain significance. Last evaluated: 2025-07-16. Review status: criteria provided, single submitter. Criteria: GeneDx Variant Classification Process June 2021. Collection method: clinical testing. Allele origin: germline. Affected: yes.
Comment: Not observed at significant frequency in large population cohorts (gnomAD); In silico analysis suggests that this missense variant does not alter protein structure/function; Has not been previously published as pathogenic or benign to our knowledge

Labcorp Genetics (formerly Invitae), Labcorp
Classification: Uncertain significance. Last evaluated: 2024-10-16. Review status: criteria provided, single submitter. Criteria: Invitae Variant Classification Sherloc (09022015). Collection method: clinical testing. Allele origin: germline.
Comment: This sequence change replaces valine, which is neutral and non-polar, with isoleucine, which is neutral and non-polar, at codon 86 of the NTHL1 protein (p.Val86Ile). This variant is not present in population databases (gnomAD no frequency). This variant has not been reported in the literature in individuals affected with NTHL1-related conditions. ClinVar contains an entry for this variant (Variation ID: 861682). An algorithm developed to predict the effect of missense changes on protein structure and function (PolyPhen-2) suggests that this variant is likely to be tolerated. In summary, the available evidence is currently insufficient to determine the role of this variant in disease. Therefore, it has been classified as a Variant of Uncertain Significance.